The following is an entry in ClinVar:

NM_003265.3(TLR3):c.2687C>T (p.Ala896Val)

Gene: TLR3 (toll like receptor 3; plus strand). Cytogenetic location: 4q35.1.
Variant type: single nucleotide variant.
Coding change: c.2687C>T on transcript NM_003265.3 (MANE Select); coding-DNA position 2687, C replaced by T.
Protein change: p.Ala896Val; replaces alanine 896 with valine.
Molecular consequence: missense variant.
Genome position (GRCh38, 1-based): chr4:186,084,845, C>T. VCF-style: chr4-186084845-C-T. GRCh37 (hg19) VCF-style: chr4-187005999-C-T.
Other names: short protein forms A896V.
Identifiers: ClinVar variation 1374824 (VCV001374824.6), dbSNP rs1193598790, ClinGen allele CA358938342.

ClinVar aggregate classification (germline): Uncertain significance (1 of 4 stars; one submission).

Conditions:
Encephalopathy, acute, infection-induced (herpes-specific), susceptibility to, 1. Also called: Herpes simplex encephalitis, susceptibility to, 1. Identifiers: Orphanet 1930, MedGen C2750180, MONDO:0024563, OMIM 610551.

Allele frequency attached by ClinVar (database versions not stated): TOPMed below 0.00001; gnomAD exomes 0.00001 and below 0.00001; gnomAD 0.00001.
gnomAD v4.1: 7 of 1,613,586 alleles (0.00043%); highest among the groups gnomAD compares: Admixed American, 0.0017%; no homozygotes.

Submission:

Labcorp Genetics (formerly Invitae), Labcorp
Classification: Uncertain significance for Encephalopathy, acute, infection-induced (herpes-specific), susceptibility to, 1. Last evaluated: 2021-08-13. Review status: criteria provided, single submitter. Criteria: Invitae Variant Classification Sherloc (09022015). Collection method: clinical testing. Allele origin: germline.
Comment: In summary, the available evidence is currently insufficient to determine the role of this variant in disease. Therefore, it has been classified as a Variant of Uncertain Significance. Algorithms developed to predict the effect of missense changes on protein structure and function are either unavailable or do not agree on the potential impact of this missense change (SIFT: "Deleterious"; PolyPhen-2: "Possibly Damaging"; Align-GVGD: "Class C15"). This variant has not been reported in the literature in individuals affected with TLR3-related conditions. This variant is not present in population databases (ExAC no frequency). This sequence change replaces alanine with valine at codon 896 of the TLR3 protein (p.Ala896Val). The alanine residue is highly conserved and there is a small physicochemical difference between alanine and valine.